The following is an entry in ClinVar:

NM_001042492.3(NF1):c.60G>C (p.Gln20His)

Genes: MIR4733HG (MIR4733 host gene; minus strand), NF1 (neurofibromin 1; plus strand), LOC111811965 (NF1 (neurofibromin 1) promoter region; plus strand). Cytogenetic location: 17q11.2.
Variant type: single nucleotide variant.
Coding change: c.60G>C on transcript NM_001042492.3 (MANE Select); coding-DNA position 60, G replaced by C.
Protein change: p.Gln20His; replaces glutamine 20 with histidine.
Molecular consequence: missense variant. On other transcripts: non-coding transcript variant (1).
Genome position (GRCh38, 1-based): chr17:31,095,369, G>C. VCF-style: chr17-31095369-G-C. GRCh37 (hg19) VCF-style: chr17-29422387-G-C.
Other names: c.60G>C, p.Gln20His (NM_000267.4, NM_001128147.3); short protein forms Q20H.
Identifiers: ClinVar variation 965727 (VCV000965727.39), dbSNP rs1911559787, ClinGen allele CA398979440.

ClinVar aggregate classification (germline): Likely pathogenic. Review status: criteria provided, multiple submitters, no conflicts (2 of 4 stars). 6 submissions from 6 submitters: Likely pathogenic (5). 1 of the submissions does not count toward it. Last evaluated 2026-05-06.

Conditions:
Neurofibromatosis-Noonan syndrome (NFNS). Also called: NEUROFIBROMATOSIS WITH NOONAN PHENOTYPE. Identifiers: Orphanet 638, MedGen C2931482, MONDO:0011035, OMIM 601321. Disease mechanism: loss of function.
Neurofibromatosis, type 1 (NF1). Also called: VON RECKLINGHAUSEN DISEASE; NEUROFIBROMATOSIS, TYPE I, SOMATIC; Peripheral type neurofibromatosis; Neurofibromatosis, type I. Identifiers: Orphanet 636, MedGen C0027831, MONDO:0018975, OMIM 162200. Disease mechanism: loss of function.
Cardiovascular phenotype. Identifiers: MedGen CN230736.
Hereditary cancer-predisposing syndrome. Also called: Hereditary Cancer Syndrome; Hereditary neoplastic syndrome; Neoplastic Syndromes, Hereditary; Tumor predisposition. Identifiers: Orphanet 140162, MedGen C0027672, MeSH D009386, MONDO:0015356.

Submissions (6):

Ambry Genetics
Classification: Likely pathogenic for Cardiovascular phenotype; Hereditary cancer-predisposing syndrome. Last evaluated: 2026-05-06. Review status: criteria provided, single submitter. Criteria: Ambry Variant Classification Scheme 2023. Collection method: clinical testing. Allele origin: germline.
Comment: The p.Q20H variant (also known as c.60G>C), located in coding exon 1 of the NF1 gene, results from a G to C substitution at nucleotide position 60. The glutamine at codon 20 is replaced by histidine, an amino acid with highly similar properties. However, this change occurs in the last base pair of coding exon 1, which makes it likely to have some effect on normal mRNA splicing. This variant was reported in individual(s) with features consistent with neurofibromatosis type 1 (NF1) (Ambry internal data; Giugliano T et al. Genes (Basel), 2019 Jul;10:; Paz-Cruz E et al. Medwave, 2026 Jan;26:e3155). This variant is considered to be rare based on population cohorts in the Genome Aggregation Database (gnomAD). This nucleotide position is highly conserved in available vertebrate species. This amino acid position is highly conserved in available vertebrate species. In silico splice site analysis predicts that this alteration may weaken the native splice donor site and may result in the creation or strengthening of a novel splice donor site. In addition, as a missense substitution this is predicted to be tolerated by in silico analysis. Based on the majority of available evidence to date, this variant is likely to be pathogenic.

Labcorp Genetics (formerly Invitae), Labcorp
Classification: Likely pathogenic for Neurofibromatosis, type 1. Last evaluated: 2024-05-23. Review status: criteria provided, single submitter. Criteria: Invitae Variant Classification Sherloc (09022015). Collection method: clinical testing. Allele origin: germline.
Comment: This sequence change replaces glutamine, which is neutral and polar, with histidine, which is basic and polar, at codon 20 of the NF1 protein (p.Gln20His). This variant also falls at the last nucleotide of exon 1, which is part of the consensus splice site for this exon. This variant is not present in population databases (gnomAD no frequency). This missense change has been observed in individuals with neurofibromatosis type 1 (PMID: 31370276; Invitae). ClinVar contains an entry for this variant (Variation ID: 965727). An algorithm developed to predict the effect of missense changes on protein structure and function (PolyPhen-2) suggests that this variant is likely to be tolerated. Variants that disrupt the consensus splice site are a relatively common cause of aberrant splicing (PMID: 17576681, 9536098). Algorithms developed to predict the effect of sequence changes on RNA splicing suggest that this variant may disrupt the consensus splice site. This variant disrupts the p.Gln20 amino acid residue in NF1. Other variant(s) that disrupt this residue have been determined to be pathogenic (PMID: 31370276). This suggests that this residue is clinically significant, and that variants that disrupt this residue are likely to be disease-causing. In summary, the currently available evidence indicates that the variant is pathogenic, but additional data are needed to prove that conclusively. Therefore, this variant has been classified as Likely Pathogenic.

CeGaT Center for Human Genetics Tuebingen
Classification: Likely pathogenic. Last evaluated: 2023-03-01. Review status: criteria provided, single submitter. Criteria: CeGaT Center For Human Genetics Tuebingen Variant Classification Criteria Version 2. Collection method: clinical testing. Allele origin: germline. Affected: yes. Observed: 1 variant allele.
Comment: NF1: PM2, PS4:Moderate, PP4, PS3:Supporting

Genome-Nilou Lab
Classification: Likely pathogenic for Neurofibromatosis, type 1. Last evaluated: 2022-03-15. Review status: criteria provided, single submitter. Criteria: ACMG Guidelines, 2015. Collection method: clinical testing. Allele origin: germline. Affected: no.

GeneDx
Classification: Likely pathogenic. Last evaluated: 2019-05-09. Review status: criteria provided, single submitter. Criteria: GeneDx Variant Classification Process June 2021. Collection method: clinical testing. Allele origin: germline. Affected: yes.
Comment: Not observed in large population cohorts (Lek et al., 2016); In silico analysis, which includes protein predictors and evolutionary conservation, supports a deleterious effect; In-silico analysis, which includes splice predictors and evolutionary conservation, is inconclusive as to whether the variant alters gene splicing. In the absence of RNA/functional studies, the actual effect of this sequence change is unknown.; This variant is associated with the following publications: (PMID: 31370276)

Department of Pediatrics, Taizhou Central Hospital, Taizhou University Hospital
Classification: Likely pathogenic for Neurofibromatosis-Noonan syndrome. Last evaluated: 2024-02-01. Review status: no assertion criteria provided. Collection method: clinical testing. Allele origin: de novo. Affected: yes. Observed: 1 variant allele. Not counted in ClinVar's aggregate classification.

Literature cited by the submitters: PubMed 31370276 (cited by Ambry Genetics and Labcorp Genetics (formerly Invitae), Labcorp); PubMed 41534036 (cited by Ambry Genetics); PubMed 17576681 (cited by Labcorp Genetics (formerly Invitae), Labcorp); PubMed 9536098 (cited by Labcorp Genetics (formerly Invitae), Labcorp).